The following is an entry in ClinVar:

NM_000414.4(HSD17B4):c.467A>G (p.Tyr156Cys)

Gene: HSD17B4 (hydroxysteroid 17-beta dehydrogenase 4; plus strand). Cytogenetic location: 5q23.1.
Variant type: single nucleotide variant.
Coding change: c.467A>G on transcript NM_000414.4 (MANE Select); coding-DNA position 467, A replaced by G.
Protein change: p.Tyr156Cys; replaces tyrosine 156 with cysteine.
Molecular consequence: missense variant. On other transcripts: non-coding transcript variant (2).
Genome position (GRCh38, 1-based): chr5:119,478,866, A>G. VCF-style: chr5-119478866-A-G. GRCh37 (hg19) VCF-style: chr5-118814561-A-G.
Other names: c.542A>G, p.Tyr181Cys (NM_001199291.3); c.413A>G, p.Tyr138Cys (NM_001199292.2); c.395A>G, p.Tyr132Cys (NM_001292027.2); c.47A>G, p.Tyr16Cys (NM_001292028.2); c.458A>G, p.Tyr153Cys (NM_001374497.1); c.467A>G, p.Tyr156Cys (NM_001374498.1); c.140A>G, p.Tyr47Cys (NM_001374499.1); c.26A>G, p.Tyr9Cys (NM_001374500.1); and 1 more; short protein forms Y138C, Y47C, Y156C, Y16C, Y19C, Y132C, Y153C, Y9C.
Identifiers: ClinVar variation 5008370 (VCV005008370.1).

ClinVar aggregate classification (germline): Uncertain significance (1 of 4 stars; one submission).

Submission:

GeneDx
Classification: Uncertain significance. Last evaluated: 2026-03-05. Review status: criteria provided, single submitter. Criteria: GeneDx Variant Classification Process June 2021. Collection method: clinical testing. Allele origin: germline.
Comment: Not observed at significant frequency in large population cohorts (gnomAD); In silico analysis supports that this missense variant has a deleterious effect on protein structure/function; Has not been previously published as pathogenic or benign to our knowledge